The following is an entry in ClinVar:

NM_004859.4(CLTC):c.1843C>T (p.Gln615Ter)

Gene: CLTC (clathrin heavy chain; plus strand). Cytogenetic location: 17q23.1.
Variant type: single nucleotide variant.
Coding change: c.1843C>T on transcript NM_004859.4 (MANE Select); coding-DNA position 1843, C replaced by T.
Protein change: p.Gln615Ter; replaces glutamine 615 with a stop codon.
Molecular consequence: nonsense.
Genome position (GRCh38, 1-based): chr17:59,666,540, C>T. VCF-style: chr17-59666540-C-T. GRCh37 (hg19) VCF-style: chr17-57743901-C-T.
Other names: c.1855C>T, p.Gln619Ter (NM_001288653.2); short protein forms Q615*, Q619*.
Identifiers: ClinVar variation 985776 (VCV000985776.4), dbSNP rs2032737194, ClinGen allele CA400428054.

ClinVar aggregate classification (germline): Pathogenic (1 of 4 stars; one submission).

Conditions:
Inborn genetic diseases. Identifiers: MedGen C0950123, MeSH D030342.

Submission:

Ambry Genetics
Classification: Pathogenic for Inborn genetic diseases. Last evaluated: 2020-01-24. Review status: criteria provided, single submitter. Criteria: Ambry Variant Classification Scheme 2023. Collection method: clinical testing. Allele origin: germline.
Comment: The alteration results in a premature stop codon:_x000D_ _x000D_ The c.1843C>T (p.Q615*) alteration, located in coding exon 12 of the CLTC gene, results from a C to T substitution at nucleotide position 1843. This changes the amino acid from a glutamine (Q) to a stop codon at amino acid position 615. This alteration is expected to result in loss of function by premature protein truncation or nonsense-mediated mRNA decay. The alteration is not observed in population databases: _x000D_ _x000D_ Based on data from the Genome Aggregation Database (gnomAD), the CLTC c.1843C>T alteration was not observed, with coverage at this position. Based on the available evidence, this alteration is classified as pathogenic.